The following is an entry in ClinVar:

ClinVar aggregate classification (germline): Uncertain significance (1 of 4 stars; one submission).

Allele frequency attached by ClinVar (database versions not stated): gnomAD 0.00002; TOPMed 0.00002.
gnomAD v4.1: 3 of 1,614,070 alleles (0.00019%); highest among the groups gnomAD compares: Non-Finnish European, 0.00025%; no homozygotes.

Submission:

Ambry Genetics
Classification: Uncertain significance. Last evaluated: 2021-08-27. Review status: criteria provided, single submitter. Criteria: Ambry Variant Classification Scheme 2023. Collection method: clinical testing. Allele origin: germline.
Comment: The p.I450T variant (also known as c.1349T>C), located in coding exon 12 of the RAD54L gene, results from a T to C substitution at nucleotide position 1349. The isoleucine at codon 450 is replaced by threonine, an amino acid with similar properties. This amino acid position is conserved. In addition, this alteration is predicted to be deleterious by in silico analysis. Since supporting evidence is limited at this time, the clinical significance of this alteration remains unclear.

NM_003579.4(RAD54L):c.1349T>C (p.Ile450Thr)

Gene: RAD54L (RAD54 like; plus strand). Cytogenetic location: 1p34.1.
Variant type: single nucleotide variant.
Coding change: c.1349T>C on transcript NM_003579.4 (MANE Select); coding-DNA position 1349, T replaced by C.
Protein change: p.Ile450Thr; replaces isoleucine 450 with threonine.
Molecular consequence: missense variant.
Genome position (GRCh38, 1-based): chr1:46,272,776, T>C. VCF-style: chr1-46272776-T-C. GRCh37 (hg19) VCF-style: chr1-46738448-T-C.
Other names: c.1349T>C, p.Ile450Thr (NM_001142548.2); c.809T>C, p.Ile270Thr (NM_001370766.1); short protein forms I450T, I270T.
Identifiers: ClinVar variation 1770554 (VCV001770554.2), dbSNP rs1488038673, ClinGen allele CA340179805.